The following is an entry in ClinVar:

ClinVar aggregate classification (germline): Likely benign. Review status: criteria provided, multiple submitters, no conflicts (2 of 4 stars). 2 submissions from 2 submitters: Likely benign (2). Last evaluated 2020-10-23.

Conditions:
Obesity due to leptin receptor gene deficiency. Identifiers: Orphanet 179494, MedGen C3554225, MONDO:0013992, OMIM 614963.

Allele frequency attached by ClinVar (database versions not stated): gnomAD exomes 0.00140; 1000 Genomes Project 0.01218; gnomAD 0.01299 and 0.01407; 1000 Genomes Project 30x 0.01343; TOPMed 0.01514.
gnomAD v4.1: 2,342 of 411,574 alleles (0.57%); highest among the groups gnomAD compares: African/African-American, 4.4%; 44 homozygotes.

Submissions (2):

GeneDx
Classification: Likely benign. Last evaluated: 2020-10-23. Review status: criteria provided, single submitter. Criteria: GeneDx Variant Classification Process June 2021. Collection method: clinical testing. Allele origin: germline. Affected: yes.

Illumina Laboratory Services, Illumina
Classification: Likely benign for Obesity due to leptin receptor gene deficiency. Last evaluated: 2018-01-13. Review status: criteria provided, single submitter. Criteria: ICSL Variant Classification Criteria 13 December 2019. Collection method: clinical testing. Allele origin: germline.
Comment: This variant was observed in the ICSL laboratory as part of a predisposition screen in an ostensibly healthy population. It had not been previously curated by ICSL or reported in the Human Gene Mutation Database (HGMD: prior to June 1st, 2018), and was therefore a candidate for classification through an automated scoring system. Utilizing variant allele frequency, disease prevalence and penetrance estimates, and inheritance mode, an automated score was calculated to assess if this variant is too frequent to cause the disease. Based on the score and internal cut-off values, a variant classified as likely benign is not then subjected to further curation. The score for this variant resulted in a classification of likely benign for this disease.

NM_002303.6(LEPR):c.*232G>A

Gene: LEPR (leptin receptor; plus strand). Cytogenetic location: 1p31.3.
Variant type: single nucleotide variant.
Coding change: c.*232G>A on transcript NM_002303.6 (MANE Select); 232 bases downstream of the stop codon, G replaced by A.
Molecular consequence: 3 prime UTR variant.
Genome position (GRCh38, 1-based): chr1:65,637,247, G>A. VCF-style: chr1-65637247-G-A. GRCh37 (hg19) VCF-style: chr1-66102930-G-A.
Identifiers: ClinVar variation 875004 (VCV000875004.6), dbSNP rs116819844, ClinGen allele CA23931953.
Genomic context (GRCh38, chr1:65,637,247, plus strand): 5'-AAGCCTTCATAAGCCTACCAATGTAGACACGCTCTTCTATTTTATTCCCAAGCTCTAGTG[G>A]GAAGGTCCCTTGTTTCCAGCTAGAAATAAGCCCAACAGACACCATCTTTTGTGAGATGTA-3'